The following is an entry in ClinVar:

ClinVar aggregate classification (germline): Uncertain significance. Review status: criteria provided, multiple submitters, no conflicts (2 of 4 stars). 3 submissions from 3 submitters: Uncertain significance (3). Last evaluated 2023-06-09.

Conditions:
D-2-hydroxyglutaric aciduria 2 (D2HGA2). Identifiers: Orphanet 79315, MedGen C3150909, MONDO:0013345, OMIM 613657.

gnomAD v4.1: 5 of 1,613,916 alleles (0.00031%); highest among the groups gnomAD compares: African/African-American, 0.0013%; no homozygotes.

Submissions (3):

Labcorp Genetics (formerly Invitae), Labcorp
Classification: Uncertain significance for D-2-hydroxyglutaric aciduria 2. Last evaluated: 2023-06-09. Review status: criteria provided, single submitter. Criteria: Invitae Variant Classification Sherloc (09022015). Collection method: clinical testing. Allele origin: germline.
Comment: ClinVar contains an entry for this variant (Variation ID: 872787). Advanced modeling of protein sequence and biophysical properties (such as structural, functional, and spatial information, amino acid conservation, physicochemical variation, residue mobility, and thermodynamic stability) performed at Invitae indicates that this missense variant is not expected to disrupt IDH2 protein function. In summary, the available evidence is currently insufficient to determine the role of this variant in disease. Therefore, it has been classified as a Variant of Uncertain Significance. This variant has not been reported in the literature in individuals affected with IDH2-related conditions. This sequence change replaces glutamic acid, which is acidic and polar, with lysine, which is basic and polar, at codon 429 of the IDH2 protein (p.Glu429Lys). This variant is not present in population databases (gnomAD no frequency).

GeneDx
Classification: Uncertain significance. Last evaluated: 2022-07-27. Review status: criteria provided, single submitter. Criteria: GeneDx Variant Classification Process June 2021. Collection method: clinical testing. Allele origin: germline. Affected: yes.
Comment: Not observed in large population cohorts (gnomAD); In silico analysis supports that this missense variant does not alter protein structure/function; Has not been previously published as pathogenic or benign to our knowledge

CeGaT Center for Human Genetics Tuebingen
Classification: Uncertain significance. Last evaluated: 2019-08-01. Review status: criteria provided, single submitter. Criteria: CeGaT Center For Human Genetics Tuebingen Variant Classification Criteria Version 2. Collection method: clinical testing. Allele origin: germline. Affected: yes. Observed: 3 variant alleles.

NM_002168.4(IDH2):c.1285G>A (p.Glu429Lys)

Gene: IDH2 (isocitrate dehydrogenase (NADP(+)) 2; minus strand). Cytogenetic location: 15q26.1.
Variant type: single nucleotide variant.
Coding change: c.1285G>A on transcript NM_002168.4 (MANE Select); coding-DNA position 1285, G replaced by A.
Protein change: p.Glu429Lys; replaces glutamic acid 429 with lysine.
Molecular consequence: missense variant.
Genome position (GRCh38, 1-based): chr15:90,084,340, C>T on the plus strand (G>A on the coding strand, the complement: IDH2 is on the minus strand). VCF-style: chr15-90084340-C-T. GRCh37 (hg19) VCF-style: chr15-90627572-C-T.
Other names: c.1129G>A, p.Glu377Lys (NM_001289910.1); c.895G>A, p.Glu299Lys (NM_001290114.2); short protein forms E429K, E299K, E377K.
Identifiers: ClinVar variation 872787 (VCV000872787.49), dbSNP rs1900800432, ClinGen allele CA393817942.